The following is an entry in ClinVar:

NM_181426.2(CCDC39):c.1073C>T (p.Thr358Ile)

Gene: CCDC39 (coiled-coil domain 39 molecular ruler complex subunit; minus strand). Cytogenetic location: 3q26.33.
Variant type: single nucleotide variant.
Coding change: c.1073C>T on transcript NM_181426.2 (MANE Select); coding-DNA position 1073, C replaced by T.
Protein change: p.Thr358Ile; replaces threonine 358 with isoleucine.
Molecular consequence: missense variant.
Genome position (GRCh38, 1-based): chr3:180,651,495, G>A on the plus strand (C>T on the coding strand, the complement: CCDC39 is on the minus strand). VCF-style: chr3-180651495-G-A. GRCh37 (hg19) VCF-style: chr3-180369283-G-A.
Other names: short protein forms T358I.
Identifiers: ClinVar variation 166806 (VCV000166806.55), dbSNP rs183413880, ClinGen allele CA233637.

ClinVar aggregate classification (germline): Conflicting classifications of pathogenicity. Review status: criteria provided, conflicting classifications (1 of 4 stars). 13 submissions from 13 submitters: Uncertain significance (1); Benign (2); Likely benign (7). 3 of the submissions do not count toward it. Last evaluated 2026-03-01.

Conditions:
Primary ciliary dyskinesia 14. Also called: CILIARY DYSKINESIA, PRIMARY, 14, WITH OR WITHOUT SITUS INVERSUS. Identifiers: Orphanet 244, MedGen C3151136, MONDO:0013434, OMIM 613807.
Primary ciliary dyskinesia. Also called: Ciliary dyskinesia. Identifiers: Orphanet 244, MedGen C0008780, MONDO:0016575, HP:0012265.

Allele frequency attached by ClinVar (database versions not stated): TOPMed 0.00352; gnomAD exomes 0.00382 and 0.00509; 1000 Genomes Project 30x 0.00219; gnomAD 0.00329 and 0.00334; ExAC 0.00460; 1000 Genomes Project 0.00240; ESP Exome Variant Server 0.00354.
gnomAD v4.1: 7,627 of 1,539,912 alleles (0.5%); highest among the groups gnomAD compares: Middle Eastern, 0.99%; 28 homozygotes.

Submissions (13):

CeGaT Center for Human Genetics Tuebingen
Classification: Likely benign. Last evaluated: 2026-03-01. Review status: criteria provided, single submitter. Criteria: CeGaT Center For Human Genetics Tuebingen Variant Classification Criteria Version 2. Collection method: clinical testing. Allele origin: germline. Affected: yes. Observed: 15 variant alleles.
Comment: CCDC39: BP4, BS2

Labcorp Genetics (formerly Invitae), Labcorp
Classification: Benign for Primary ciliary dyskinesia. Last evaluated: 2026-01-31. Review status: criteria provided, single submitter. Criteria: Invitae Variant Classification Sherloc (09022015). Collection method: clinical testing. Allele origin: germline.

Blueprint Genetics
Classification: Likely benign. Last evaluated: 2024-11-26. Review status: criteria provided, single submitter. Criteria: ACMG Guidelines, 2015. Collection method: clinical testing. Allele origin: germline.

ARUP Laboratories, Molecular Genetics and Genomics, ARUP Laboratories
Classification: Likely benign for Primary ciliary dyskinesia 14. Last evaluated: 2023-11-07. Review status: criteria provided, single submitter. Criteria: ARUP Molecular Germline Variant Investigation Process 2024. Collection method: clinical testing. Allele origin: germline.

Johns Hopkins Genomics, Johns Hopkins University
Classification: Likely benign for Primary ciliary dyskinesia 14. Last evaluated: 2020-09-28. Review status: criteria provided, single submitter. Criteria: ACMG Guidelines, 2015. Collection method: clinical testing. Allele origin: germline.

GeneDx
Classification: Likely benign. Last evaluated: 2020-09-14. Review status: criteria provided, single submitter. Criteria: GeneDx Variant Classification Process June 2021. Collection method: clinical testing. Allele origin: germline. Affected: yes.
Comment: This variant is associated with the following publications: (PMID: 31213628)

Eurofins Ntd Llc (ga)
Classification: Likely benign. Last evaluated: 2018-08-28. Review status: criteria provided, single submitter. Criteria: EGL ClinVar v180209 classification definitions. Collection method: clinical testing. Allele origin: germline. Observed: 2 variant alleles, 2 heterozygotes.

Illumina Laboratory Services, Illumina
Classification: Uncertain significance for Primary ciliary dyskinesia 14. Last evaluated: 2017-04-27. Review status: criteria provided, single submitter. Criteria: ICSL Variant Classification Criteria 13 December 2019. Collection method: clinical testing. Allele origin: germline.

Ambry Genetics
Classification: Benign for Primary ciliary dyskinesia. Last evaluated: 2016-08-05. Review status: criteria provided, single submitter. Criteria: Ambry Variant Classification Scheme 2023. Collection method: clinical testing. Allele origin: germline.

PreventionGenetics, part of Exact Sciences
Classification: Likely benign. Review status: criteria provided, single submitter. Criteria: ACMG Guidelines, 2015. Collection method: clinical testing. Allele origin: germline.

Clinical Genetics DNA and cytogenetics Diagnostics Lab, Erasmus MC, Erasmus Medical Center
Classification: Likely benign. Review status: no assertion criteria provided. Collection method: clinical testing. Allele origin: germline. Affected: yes. Study: VKGL Data-share Consensus. Not counted in ClinVar's aggregate classification.

Diagnostic Laboratory, Department of Genetics, University Medical Center Groningen
Classification: Likely benign. Review status: no assertion criteria provided. Collection method: clinical testing. Allele origin: germline. Affected: yes. Study: VKGL Data-share Consensus. Not counted in ClinVar's aggregate classification.

Laboratory of Diagnostic Genome Analysis, Leiden University Medical Center (LUMC)
Classification: Likely benign. Review status: no assertion criteria provided. Collection method: clinical testing. Allele origin: germline. Affected: yes. Study: VKGL Data-share Consensus. Not counted in ClinVar's aggregate classification.